The following is an entry in ClinVar:

NM_000206.3(IL2RG):c.612T>A (p.Tyr204Ter)

Gene: IL2RG (interleukin 2 receptor subunit gamma; minus strand). Cytogenetic location: Xq13.1.
Variant type: single nucleotide variant.
Coding change: c.612T>A on transcript NM_000206.3 (MANE Select); coding-DNA position 612, T replaced by A.
Protein change: p.Tyr204Ter; replaces tyrosine 204 with a stop codon.
Molecular consequence: nonsense.
Genome position (GRCh38, 1-based): chrX:71,109,373, A>T on the plus strand (T>A on the coding strand, the complement: IL2RG is on the minus strand). VCF-style: chrX-71109373-A-T. GRCh37 (hg19) VCF-style: chrX-70329223-A-T.
Other names: short protein forms Y204*.
Identifiers: ClinVar variation 1459808 (VCV001459808.6), dbSNP rs2147748344, ClinGen allele CA413496135.
Genomic context (GRCh38, chrX:71,109,373, plus strand): 5'-CCGAACACGAAACGTGTAGCGTTTCTGCCCATCCACACTAGGCAAGGAGAACTTATGTCT[A>T]TAATCCACTGATTGTTCCTTGAGGAGAAAGAGGATGAGGGAAAGTGGGTGTCTATGAGAG-3'

ClinVar aggregate classification (germline): Pathogenic (1 of 4 stars; one submission).

Conditions:
X-linked severe combined immunodeficiency (SCIDX1). Also called: IMMUNODEFICIENCY 4; SCID, X-LINKED; SEVERE COMBINED IMMUNODEFICIENCY, X-LINKED, T CELL-NEGATIVE, B CELL-POSITIVE, NK CELL-NEGATIVE; T-B+ severe combined immunodeficiency due to gamma chain deficiency; X-Linked Combined Immunodeficiency Diseases. Identifiers: Orphanet 276, MedGen C6022468, MONDO:0010315, OMIM 300400. Disease mechanism: loss of function.

Submission:

Labcorp Genetics (formerly Invitae), Labcorp
Classification: Pathogenic for X-linked severe combined immunodeficiency. Last evaluated: 2021-06-18. Review status: criteria provided, single submitter. Criteria: Invitae Variant Classification Sherloc (09022015). Collection method: clinical testing. Allele origin: germline.
Comment: For these reasons, this variant has been classified as Pathogenic. This variant has not been reported in the literature in individuals with IL2RG-related conditions. This variant is not present in population databases (ExAC no frequency). This sequence change creates a premature translational stop signal (p.Tyr204*) in the IL2RG gene. It is expected to result in an absent or disrupted protein product. Loss-of-function variants in IL2RG are known to be pathogenic (PMID: 9058718, 10794430).

Literature cited by the submitters: PubMed 9058718; PubMed 10794430.